The following is an entry in ClinVar:

ClinVar aggregate classification (germline): Uncertain significance (1 of 4 stars; one submission).

Submission:

GeneDx
Classification: Uncertain significance. Last evaluated: 2026-02-17. Review status: criteria provided, single submitter. Criteria: GeneDx Variant Classification Process June 2021. Collection method: clinical testing. Allele origin: germline.
Comment: Not observed at significant frequency in large population cohorts (gnomAD); In silico analysis supports that this missense variant has a deleterious effect on protein structure/function; Has not been previously published as pathogenic or benign to our knowledge

NM_020706.2(SCAF4):c.1840A>C (p.Ser614Arg)

Gene: SCAF4 (SR-related CTD associated factor 4; minus strand). Cytogenetic location: 21q22.11.
Variant type: single nucleotide variant.
Coding change: c.1840A>C on transcript NM_020706.2 (MANE Select); coding-DNA position 1840, A replaced by C.
Protein change: p.Ser614Arg; replaces serine 614 with arginine.
Molecular consequence: missense variant.
Genome position (GRCh38, 1-based): chr21:31,690,842, T>G on the plus strand (A>C on the coding strand, the complement: SCAF4 is on the minus strand). VCF-style: chr21-31690842-T-G. GRCh37 (hg19) VCF-style: chr21-33063155-T-G.
Other names: c.1795A>C, p.Ser599Arg (NM_001145444.1); c.1840A>C, p.Ser614Arg (NM_001145445.1); short protein forms S599R, S614R.
Identifiers: ClinVar variation 5009632 (VCV005009632.1).